The following is an entry in ClinVar:

ClinVar aggregate classification (germline): Uncertain significance (1 of 4 stars; one submission).

Conditions:
Inborn genetic diseases. Identifiers: MedGen C0950123, MeSH D030342.

gnomAD v4.1: 4 of 1,612,424 alleles (0.00025%); highest among the groups gnomAD compares: South Asian, 0.0044%; no homozygotes.

Submission:

Ambry Genetics
Classification: Uncertain significance for Inborn genetic diseases. Last evaluated: 2025-03-05. Review status: criteria provided, single submitter. Criteria: Ambry Variant Classification Scheme 2023. Collection method: clinical testing. Allele origin: germline.
Comment: The p.E1144Q variant (also known as c.3430G>C), located in coding exon 32 of the RTEL1 gene, results from a G to C substitution at nucleotide position 3430. The glutamic acid at codon 1144 is replaced by glutamine, an amino acid with highly similar properties. This amino acid position is conserved. In addition, this alteration is predicted to be tolerated by in silico analysis. Based on the available evidence, the clinical significance of this variant remains unclear.

NM_001283009.2(RTEL1):c.3430G>C (p.Glu1144Gln)

Genes: RTEL1 (regulator of telomere elongation helicase 1; plus strand), RTEL1-TNFRSF6B (RTEL1-TNFRSF6B readthrough (NMD candidate); plus strand). Cytogenetic location: 20q13.33.
Variant type: single nucleotide variant.
Coding change: c.3430G>C on transcript NM_001283009.2 (MANE Select); coding-DNA position 3430, G replaced by C.
Protein change: p.Glu1144Gln; replaces glutamic acid 1144 with glutamine.
Molecular consequence: missense variant. On other transcripts: non-coding transcript variant (1).
Genome position (GRCh38, 1-based): chr20:63,695,152, G>C. VCF-style: chr20-63695152-G-C. GRCh37 (hg19) VCF-style: chr20-62326505-G-C.
Other names: c.2761G>C, p.Glu921Gln (NM_001283010.1); c.3430G>C, p.Glu1144Gln (NM_016434.4); c.3502G>C, p.Glu1168Gln (NM_032957.5); short protein forms E1168Q, E921Q, E1144Q.
Identifiers: ClinVar variation 3791200 (VCV003791200.1).